The following is an entry in ClinVar:

NM_020987.5(ANK3):c.1870C>T (p.Pro624Ser)

Gene: ANK3 (ankyrin 3; minus strand). Cytogenetic location: 10q21.2.
Variant type: single nucleotide variant.
Coding change: c.1870C>T on transcript NM_020987.5 (MANE Select); coding-DNA position 1870, C replaced by T.
Protein change: p.Pro624Ser; replaces proline 624 with serine.
Molecular consequence: missense variant.
Genome position (GRCh38, 1-based): chr10:60,196,162, G>A on the plus strand (C>T on the coding strand, the complement: ANK3 is on the minus strand). VCF-style: chr10-60196162-G-A. GRCh37 (hg19) VCF-style: chr10-61955920-G-A.
Other names: c.1852C>T, p.Pro618Ser (NM_001204403.2); c.1819C>T, p.Pro607Ser (NM_001204404.2); c.1870C>T, p.Pro624Ser (NM_001320874.2); short protein forms P607S, P618S, P624S.
Identifiers: ClinVar variation 2663687 (VCV002663687.1), dbSNP rs2493359619, ClinGen allele CA376988891.

ClinVar aggregate classification (germline): Uncertain significance (1 of 4 stars; one submission).

Submission:

GeneDx
Classification: Uncertain significance. Last evaluated: 2023-04-20. Review status: criteria provided, single submitter. Criteria: GeneDx Variant Classification Process June 2021. Collection method: clinical testing. Allele origin: germline. Affected: yes.
Comment: Not observed at significant frequency in large population cohorts (gnomAD); In silico analysis supports that this missense variant has a deleterious effect on protein structure/function; Has not been previously published as pathogenic or benign to our knowledge; Variants in candidate genes are classified as variants of uncertain significance in accordance with ACMG guidelines (Richards et al., 2015)